The following is an entry in ClinVar:

ClinVar aggregate classification (germline): Uncertain significance. Review status: criteria provided, multiple submitters, no conflicts (2 of 4 stars). 2 submissions from 2 submitters: Uncertain significance (2). Last evaluated 2025-07-09.

Conditions:
Hereditary cancer-predisposing syndrome. Also called: Tumor predisposition; Hereditary neoplastic syndrome; Neoplastic Syndromes, Hereditary; Hereditary Cancer Syndrome. Identifiers: Orphanet 140162, MedGen C0027672, MeSH D009386, MONDO:0015356.
Microcephaly, normal intelligence and immunodeficiency (NBS). Also called: BERLIN BREAKAGE SYNDROME; IMMUNODEFICIENCY, MICROCEPHALY, AND CHROMOSOMAL INSTABILITY; Ataxia telangiectasia variant V1; SEEMANOVA SYNDROME II; Immunodeficiency, microcephaly with normal intelligence; Nijmegen breakage syndrome. Identifiers: Orphanet 647, MedGen C0398791, MONDO:0009623, OMIM 251260.

Submissions (2):

Ambry Genetics
Classification: Uncertain significance for Hereditary cancer-predisposing syndrome. Last evaluated: 2025-07-09. Review status: criteria provided, single submitter. Criteria: Ambry Variant Classification Scheme 2023. Collection method: clinical testing. Allele origin: germline.
Comment: The p.N511K variant (also known as c.1533T>G), located in coding exon 11 of the NBN gene, results from a T to G substitution at nucleotide position 1533. The asparagine at codon 511 is replaced by lysine, an amino acid with similar properties. This amino acid position is conserved. In addition, this alteration is predicted to be tolerated by in silico analysis. Based on the available evidence, the clinical significance of this variant remains unclear.

Labcorp Genetics (formerly Invitae), Labcorp
Classification: Uncertain significance for Microcephaly, normal intelligence and immunodeficiency. Last evaluated: 2023-06-05. Review status: criteria provided, single submitter. Criteria: Invitae Variant Classification Sherloc (09022015). Collection method: clinical testing. Allele origin: germline.
Comment: An algorithm developed to predict the effect of missense changes on protein structure and function (PolyPhen-2) suggests that this variant is likely to be tolerated. In summary, the available evidence is currently insufficient to determine the role of this variant in disease. Therefore, it has been classified as a Variant of Uncertain Significance. ClinVar contains an entry for this variant (Variation ID: 136037). This variant has not been reported in the literature in individuals affected with NBN-related conditions. This variant is not present in population databases (gnomAD no frequency). This sequence change replaces asparagine, which is neutral and polar, with lysine, which is basic and polar, at codon 511 of the NBN protein (p.Asn511Lys).

NM_002485.5(NBN):c.1533T>G (p.Asn511Lys)

Gene: NBN (nibrin; minus strand). Cytogenetic location: 8q21.3.
Variant type: single nucleotide variant.
Coding change: c.1533T>G on transcript NM_002485.5 (MANE Select); coding-DNA position 1533, T replaced by G.
Protein change: p.Asn511Lys; replaces asparagine 511 with lysine.
Molecular consequence: missense variant.
Genome position (GRCh38, 1-based): chr8:89,953,556, A>C on the plus strand (T>G on the coding strand, the complement: NBN is on the minus strand). VCF-style: chr8-89953556-A-C. GRCh37 (hg19) VCF-style: chr8-90965784-A-C.
Other names: c.1287T>G, p.Asn429Lys (NM_001024688.3); short protein forms N511K, N429K.
Identifiers: ClinVar variation 136037 (VCV000136037.9), dbSNP rs587780776, ClinGen allele CA332816.